The following is an entry in ClinVar:

NM_000090.4(COL3A1):c.1923+1G>A

Gene: COL3A1 (collagen type III alpha 1 chain; plus strand). Cytogenetic location: 2q32.2.
Variant type: single nucleotide variant.
Coding change: c.1923+1G>A on transcript NM_000090.4 (MANE Select); the canonical splice donor site of the intron after coding-DNA position 1923, G replaced by A.
Molecular consequence: splice donor variant.
Genome position (GRCh38, 1-based): chr2:188,997,754, G>A. VCF-style: chr2-188997754-G-A. GRCh37 (hg19) VCF-style: chr2-189862480-G-A.
Identifiers: ClinVar variation 101284 (VCV000101284.3), dbSNP rs587779573, ClinGen allele CA004730.

ClinVar aggregate classification (germline): Pathogenic. Review status: criteria provided, single submitter (1 of 4 stars). 2 submissions from 2 submitters: Pathogenic (1). 1 of the submissions does not count toward it. Last evaluated 2024-02-01.

Conditions:
Ehlers-Danlos syndrome, type 4 (EDSVASC). Also called: Ehlers-Danlos syndrome vascular type; Ehlers Danlos syndrome, ecchymotic type; Ehlers Danlos syndrome, arterial type; Ehlers Danlos syndrome, Sack-Barabas type; Ehlers-Danlos Syndrome Type IV. Identifiers: Orphanet 286, MedGen C0268338, MONDO:0017314, OMIM 130050.

Submissions (2):

Neuberg Centre For Genomic Medicine, NCGM
Classification: Pathogenic for Ehlers-Danlos syndrome, type 4. Last evaluated: 2024-02-01. Review status: criteria provided, single submitter. Criteria: ACMG Guidelines, 2015. Collection method: clinical testing. Allele origin: germline. Inheritance: Autosomal dominant inheritance. Affected: yes.
Comment: This null variant is detected in COL3A1 where LOF is a known mechanism of disease. Protein length changes because of this variant. The classification is based on ACMG rules, with the supporting clinical evidence rules (PVS1,PM2,PM4,PP5). For these reasons, this variant has been classified as pathogenic

Collagen Diagnostic Laboratory, University of Washington
Classification: Pathogenic for Ehlers-Danlos syndrome, type 4. Review status: no assertion criteria provided. Collection method: clinical testing. Allele origin: germline. Affected: yes. Not counted in ClinVar's aggregate classification.

Literature cited by the submitters: PubMed 10706896 (cited by Collagen Diagnostic Laboratory, University of Washington).